The following is an entry in ClinVar:

NM_004453.4(ETFDH):c.1054A>G (p.Thr352Ala)

Gene: ETFDH (electron transfer flavoprotein dehydrogenase; plus strand). Cytogenetic location: 4q32.1.
Variant type: single nucleotide variant.
Coding change: c.1054A>G on transcript NM_004453.4 (MANE Select); coding-DNA position 1054, A replaced by G.
Protein change: p.Thr352Ala; replaces threonine 352 with alanine.
Molecular consequence: missense variant.
Genome position (GRCh38, 1-based): chr4:158,699,068, A>G. VCF-style: chr4-158699068-A-G. GRCh37 (hg19) VCF-style: chr4-159620220-A-G.
Other names: c.913A>G, p.Thr305Ala (NM_001281737.2); c.871A>G, p.Thr291Ala (NM_001281738.1); c.1054A>G (NM_004453.2); short protein forms T291A, T305A, T352A.
Identifiers: ClinVar variation 2193015 (VCV002193015.2), dbSNP rs764131933, ClinGen allele CA358562205.

ClinVar aggregate classification (germline): Uncertain significance. Review status: criteria provided, multiple submitters, no conflicts (2 of 4 stars). 2 submissions from 2 submitters: Uncertain significance (2). Last evaluated 2024-06-17.

Conditions:
Inborn genetic diseases. Identifiers: MedGen C0950123, MeSH D030342.
Multiple acyl-CoA dehydrogenase deficiency (MADD). Also called: Glutaric aciduria, type 2; ETHYLMALONIC-ADIPICACIDURIA; GA II; Glutaric acidemia type II; GA 2; Glutaric Acidemia type 2. Identifiers: Orphanet 26791, MedGen C0268596, MONDO:0009282, OMIM 231680.

gnomAD v4.1: 4 of 1,614,004 alleles (0.00025%); highest among the groups gnomAD compares: African/African-American, 0.0053%; no homozygotes.

Submissions (2):

Ambry Genetics
Classification: Uncertain significance for Inborn genetic diseases. Last evaluated: 2024-06-17. Review status: criteria provided, single submitter. Criteria: Ambry Variant Classification Scheme 2023. Collection method: clinical testing. Allele origin: germline.

Labcorp Genetics (formerly Invitae), Labcorp
Classification: Uncertain significance for Multiple acyl-CoA dehydrogenase deficiency. Last evaluated: 2022-03-27. Review status: criteria provided, single submitter. Criteria: Invitae Variant Classification Sherloc (09022015). Collection method: clinical testing. Allele origin: germline.
Comment: This sequence change replaces threonine, which is neutral and polar, with alanine, which is neutral and non-polar, at codon 352 of the ETFDH protein (p.Thr352Ala). This variant is present in population databases (no rsID available, gnomAD 0.01%). This variant has not been reported in the literature in individuals affected with ETFDH-related conditions. Advanced modeling of protein sequence and biophysical properties (such as structural, functional, and spatial information, amino acid conservation, physicochemical variation, residue mobility, and thermodynamic stability) performed at Invitae indicates that this missense variant is not expected to disrupt ETFDH protein function. In summary, the available evidence is currently insufficient to determine the role of this variant in disease. Therefore, it has been classified as a Variant of Uncertain Significance.